The following is an entry in ClinVar:

NM_001148.6(ANK2):c.4567_4575del (p.Thr1523_Val1525del)

Gene: ANK2 (ankyrin 2; plus strand). Cytogenetic location: 4q26.
Variant type: Deletion.
Coding change: c.4567_4575del on transcript NM_001148.6 (MANE Select); coding-DNA positions 4567 to 4575, 9 bases deleted (ACAGATGTG; older notation c.4567_4575delACAGATGTG).
Protein change: p.Thr1523_Val1525del.
Molecular consequence: inframe deletion. On other transcripts: intron variant (68).
Genome position (GRCh38, 1-based): chr4:113,353,185-113,353,193, ACAGATGTG deleted. VCF-style (leftmost placement, unchanged base first): chr4-113353184-CACAGATGTG-C. GRCh37 (hg19) VCF-style: chr4-114274340-CACAGATGTG-C.
Other names: c.4333_4341del, p.Thr1445_Val1447del (NM_001386142.1); c.967_975del, p.Thr323_Val325del (NM_001386166.1); c.4708_4716del, p.Thr1570_Val1572del (NM_001386174.1); c.4684_4692del, p.Thr1562_Val1564del (NM_001386175.1); c.4411+2936_4411+2944del (NM_001386186.2, NM_001386148.2); c.4213+2936_4213+2944del (NM_001354269.3); c.4291+2936_4291+2944del (NM_001386187.2); c.4252+2936_4252+2944del (NM_001386147.1); and 36 more.
Identifiers: ClinVar variation 2232082 (VCV002232082.4), dbSNP rs763987725, ClinGen allele CA3051121.

ClinVar aggregate classification (germline): Uncertain significance. Review status: criteria provided, single submitter (1 of 4 stars). 2 submissions from 2 submitters: Uncertain significance (1). 1 of the submissions does not count toward it. Last evaluated 2021-06-28.

Conditions:
Cardiovascular phenotype. Identifiers: MedGen CN230736.
ANK2-related disorder. Also called: ANK2-related condition.

Allele frequency attached by ClinVar (database versions not stated): gnomAD exomes below 0.00001; ExAC 0.00001.

Submissions (2):

Ambry Genetics
Classification: Uncertain significance for Cardiovascular phenotype. Last evaluated: 2021-06-28. Review status: criteria provided, single submitter. Criteria: Ambry Variant Classification Scheme 2023. Collection method: clinical testing. Allele origin: germline.
Comment: Unlikely to be causative of ANK2-related cardiac arrhythmias (AD) Based on insufficient or conflicting evidence, the clinical significance of this alteration remains unclear.

PreventionGenetics, part of Exact Sciences
Classification: Uncertain significance for ANK2-related condition. Last evaluated: 2024-02-20. Review status: no assertion criteria provided. Collection method: clinical testing. Allele origin: germline. Not counted in ClinVar's aggregate classification.
Comment: The ANK2 c.4567_4575del9 variant is predicted to result in an in-frame deletion (p.Thr1523_Val1525del). To our knowledge, this variant has not been reported in the literature. This variant is reported in 0.0029% of alleles in individuals of Latino descent in gnomAD. At this time, the clinical significance of this variant is uncertain due to the absence of conclusive functional and genetic evidence.